The following is an entry in ClinVar:

NM_000179.3(MSH6):c.3810G>C (p.Met1270Ile)

Gene: MSH6 (mutS homolog 6; plus strand). Cytogenetic location: 2p16.3.
Variant type: single nucleotide variant.
Coding change: c.3810G>C on transcript NM_000179.3 (MANE Select); coding-DNA position 3810, G replaced by C.
Protein change: p.Met1270Ile; replaces methionine 1270 with isoleucine.
Molecular consequence: missense variant. On other transcripts: non-coding transcript variant (5), intron variant (2).
Genome position (GRCh38, 1-based): chr2:47,806,460, G>C. VCF-style: chr2-47806460-G-C. GRCh37 (hg19) VCF-style: chr2-48033599-G-C.
Other names: c.3513G>C, p.Met1171Ile (NM_001406820.1, NM_001406821.1, NM_001406822.1 and 10 more transcripts); c.2904G>C, p.Met968Ile (NM_001406823.1, NM_001406829.1, NM_001281493.2 and 6 more transcripts); c.3642G>C, p.Met1214Ile (NM_001406826.1); c.591G>C, p.Met197Ile (NM_001406831.1); c.657G>C, p.Met219Ile (NM_001406832.1); c.1755G>C, p.Met585Ile (NM_001407362.1); c.3897+102G>C (NM_001406802.1); c.3802-5G>C (NM_001406800.1); and 9 more; short protein forms M1095I, M1244I, M197I, M748I, M1140I, M1171I, M1214I, M982I.
Identifiers: ClinVar variation 2453211 (VCV002453211.2), dbSNP rs1558393029, ClinGen allele CA346761227.

ClinVar aggregate classification (germline): Uncertain significance (1 of 4 stars; one submission).

Conditions:
Hereditary cancer-predisposing syndrome. Also called: Neoplastic Syndromes, Hereditary; Tumor predisposition; Hereditary neoplastic syndrome; Hereditary Cancer Syndrome. Identifiers: Orphanet 140162, MedGen C0027672, MeSH D009386, MONDO:0015356.

Submission:

Ambry Genetics
Classification: Uncertain significance for Hereditary cancer-predisposing syndrome. Last evaluated: 2023-02-24. Review status: criteria provided, single submitter. Criteria: Ambry Variant Classification Scheme 2023. Collection method: clinical testing. Allele origin: germline.
Comment: The p.M1270I variant (also known as c.3810G>C), located in coding exon 9 of the MSH6 gene, results from a G to C substitution at nucleotide position 3810. The methionine at codon 1270 is replaced by isoleucine, an amino acid with highly similar properties. This amino acid position is conserved. In addition, this alteration is predicted to be deleterious by in silico analysis. Since supporting evidence is limited at this time, the clinical significance of this alteration remains unclear.